The following is an entry in ClinVar:

NM_012310.5(KIF4A):c.197A>G (p.Asn66Ser)

Gene: KIF4A (kinesin family member 4A; plus strand). Cytogenetic location: Xq13.1.
Variant type: single nucleotide variant.
Coding change: c.197A>G on transcript NM_012310.5 (MANE Select); coding-DNA position 197, A replaced by G.
Protein change: p.Asn66Ser; replaces asparagine 66 with serine.
Molecular consequence: missense variant.
Genome position (GRCh38, 1-based): chrX:70,290,767, A>G. VCF-style: chrX-70290767-A-G. GRCh37 (hg19) VCF-style: chrX-69510617-A-G.
Other names: short protein forms N66S.
Identifiers: ClinVar variation 3902360 (VCV003902360.1).

ClinVar aggregate classification (germline): Uncertain significance (1 of 4 stars; one submission).

gnomAD v4.1: 2 of 1,201,914 alleles (0.00017%); highest among the groups gnomAD compares: Non-Finnish European, 0.00011%; no homozygotes.

Submission:

Women's Health and Genetics/Laboratory Corporation of America, LabCorp
Classification: Uncertain significance. Last evaluated: 2025-05-09. Review status: criteria provided, single submitter. Criteria: LabCorp Variant Classification Summary - May 2015. Collection method: clinical testing. Allele origin: germline.
Comment: Variant summary: KIF4A c.197A>G (p.Asn66Ser) results in a conservative amino acid change in the encoded protein sequence. Algorithms developed to predict the effect of missense changes on protein structure and function are either unavailable or do not agree on the potential impact of this missense change. The variant allele was found at a frequency of 5.5e-06 in 183406 control chromosomes (gnomAD). The available data on variant occurrences in the general population are insufficient to allow any conclusion about variant significance. To our knowledge, no occurrence of c.197A>G in individuals affected with Intellectual Disability, X-Linked 100 and no experimental evidence demonstrating its impact on protein function have been reported. No submitters have cited clinical-significance assessments for this variant to ClinVar. Based on the evidence outlined above, the variant was classified as uncertain significance.